The following is an entry in ClinVar:

ClinVar aggregate classification (germline): Uncertain significance (1 of 4 stars; one submission).

Conditions:
Early-infantile DEE. Also called: Ohtahara syndrome; Early infantile epileptic encephalopathy with suppression bursts; Early infantile epileptic encephalopathy. Identifiers: Orphanet 1934, MedGen C0393706, MONDO:0800491.

Submission:

Labcorp Genetics (formerly Invitae), Labcorp
Classification: Uncertain significance for Early-infantile DEE. Last evaluated: 2025-01-06. Review status: criteria provided, single submitter. Criteria: Invitae Variant Classification Sherloc (09022015). Collection method: clinical testing. Allele origin: germline.
Comment: This sequence change replaces lysine, which is basic and polar, with glutamic acid, which is acidic and polar, at codon 21 of the KCNQ2 protein (p.Lys21Glu). This variant is not present in population databases (gnomAD no frequency). This variant has not been reported in the literature in individuals affected with KCNQ2-related conditions. ClinVar contains an entry for this variant (Variation ID: 1051012). Invitae Evidence Modeling of protein sequence and biophysical properties (such as structural, functional, and spatial information, amino acid conservation, physicochemical variation, residue mobility, and thermodynamic stability) indicates that this missense variant is expected to disrupt KCNQ2 protein function with a positive predictive value of 95%. In summary, the available evidence is currently insufficient to determine the role of this variant in disease. Therefore, it has been classified as a Variant of Uncertain Significance.

NM_172107.4(KCNQ2):c.61A>G (p.Lys21Glu)

Gene: KCNQ2 (potassium voltage-gated channel subfamily Q member 2; minus strand). Cytogenetic location: 20q13.33.
Variant type: single nucleotide variant.
Coding change: c.61A>G on transcript NM_172107.4 (MANE Select); coding-DNA position 61, A replaced by G.
Protein change: p.Lys21Glu; replaces lysine 21 with glutamic acid.
Molecular consequence: missense variant.
Genome position (GRCh38, 1-based): chr20:63,472,403, T>C on the plus strand (A>G on the coding strand, the complement: KCNQ2 is on the minus strand). VCF-style: chr20-63472403-T-C. GRCh37 (hg19) VCF-style: chr20-62103756-T-C.
Other names: c.61A>G, p.Lys21Glu (NM_001382235.1, NM_004518.6, NM_172106.3 and 2 more transcripts); short protein forms K21E.
Identifiers: ClinVar variation 1051012 (VCV001051012.10), dbSNP rs2145922229, ClinGen allele CA409636003.
Genomic context (GRCh38, chr20:63,472,403, plus strand): 5'-GCAGCGCCCCGTCCCGGGTGGAGTCGGGCGCGCCGGGGTCCAGCCCCACGAAGCCCACCT[T>C]CAGCTTCTTCTCCCCGCTCGGGCCGGGGTATACGCCGCCGTTGCGCGACTTCTGCACCAT-3'
Protein context (NP_742105.1, residues 11-31): YPGPSGEKKL[Lys21Glu]VGFVGLDPGA